The following is an entry in ClinVar:

NM_000492.4(CFTR):c.1357TTG[1] (p.Leu454del)

Genes: CFTR (CF transmembrane conductance regulator; plus strand), CFTR-AS1 (CFTR antisense RNA 1; minus strand). Cytogenetic location: 7q31.2.
Variant type: Microsatellite.
Coding change: c.1357TTG[1] on transcript NM_000492.4 (MANE Select); one copy of the 3-base unit TTG starting at c.1357; the reference has two copies in a row; one copy, 3 bases deleted.
Protein change: p.Leu454del; deletes leucine 454.
Molecular consequence: inframe deletion.
Genome position (GRCh38, 1-based): chr7:117,548,791-117,548,793, TTG deleted; deleting any 3 consecutive bases within chr7:117,548,787-117,548,793 gives the same sequence; the position shown is the placement nearest the transcript's 3' end. VCF-style (leftmost placement, unchanged base first): chr7-117548786-AGTT-A. GRCh37 (hg19) VCF-style: chr7-117188840-AGTT-A.
Other names: c.1359_1361delGTT (NM_000492.3); c.1360_1362delTTG (NM_000492.4, NM_000492.3); short protein forms L454del.
Identifiers: ClinVar variation 193589 (VCV000193589.7), dbSNP rs397508194, ClinGen allele CA239130.

ClinVar aggregate classification (germline): Conflicting classifications of pathogenicity. Review status: criteria provided, conflicting classifications (1 of 4 stars). 3 submissions from 3 submitters: Uncertain significance (2); Likely benign (1). Last evaluated 2026-01-20.

Conditions:
CFTR-related disorder (CFTR-RD). Also called: CFTR-related disorders; CFTR-related condition. Identifiers: MedGen C5924204, MONDO:7770004.

Submissions (3):

PreventionGenetics, part of Exact Sciences
Classification: Uncertain significance for CFTR-related condition. Last evaluated: 2026-01-20. Review status: criteria provided, single submitter. Criteria: ACMG Guidelines, 2015. Collection method: clinical testing. Allele origin: germline.
Comment: The CFTR c.1360_1362delTTG variant is predicted to result in an in-frame deletion (p.Leu454del). This variant, also described as ΔL453, has been reported in the compound heterozygous state in an individual with cystic fibrosis (Stuhrmann et al. 1997. PubMed ID: 9383031). This variant is reported in 0.49% of alleles in individuals of European (Finnish) descent in gnomAD; however, the quality of data at this position is questionable and should be interpreted with caution. At this time, the clinical significance of this variant is uncertain due to the absence of conclusive functional and genetic evidence.

Women's Health and Genetics/Laboratory Corporation of America, LabCorp
Classification: Uncertain significance. Last evaluated: 2024-01-12. Review status: criteria provided, single submitter. Criteria: LabCorp Variant Classification Summary - May 2015. Collection method: clinical testing. Allele origin: germline.
Comment: Variant summary: CFTR c.1360_1362delTTG (p.Leu454del) results in an in-frame deletion that is predicted to remove one amino acid from the encoded protein. The frequency data for this variant in gnomAD is considered unreliable, as metrics indicate poor data quality at this position. c.1360_1362delTTG has been reported in the literature in an individual affected with Cystic Fibrosis in the compound heterozygous state (Stuhrmann_1997). These data do not allow any conclusion about variant significance. To our knowledge, no experimental evidence demonstrating an impact on protein function has been reported. ClinVar contains an entry for this variant (Variation ID: 193589). Based on the evidence outlined above, the variant was classified as uncertain significance.

Eurofins Ntd Llc (ga)
Classification: Likely benign. Last evaluated: 2015-02-16. Review status: criteria provided, single submitter. Criteria: EGL Classification Definitions 2015. Collection method: clinical testing. Allele origin: germline. Observed: 5 variant alleles, 2 heterozygotes.

Literature cited by the submitters: PubMed 9383031 (cited by Women's Health and Genetics/Laboratory Corporation of America, LabCorp).